The following is an entry in ClinVar:

ClinVar aggregate classification (germline): Uncertain significance (1 of 4 stars; one submission).

gnomAD v4.1: 50 of 1,614,068 alleles (0.0031%); highest among the groups gnomAD compares: South Asian, 0.0066%; no homozygotes.

Submission:

Labcorp Genetics (formerly Invitae), Labcorp
Classification: Uncertain significance. Last evaluated: 2025-06-02. Review status: criteria provided, single submitter. Criteria: Invitae Variant Classification Sherloc (09022015). Collection method: clinical testing. Allele origin: germline.
Comment: This sequence change replaces valine, which is neutral and non-polar, with alanine, which is neutral and non-polar, at codon 1005 of the EGF protein (p.Val1005Ala). This variant is present in population databases (rs778765935, gnomAD 0.009%). This variant has not been reported in the literature in individuals affected with EGF-related conditions. An algorithm developed to predict the effect of missense changes on protein structure and function (PolyPhen-2) suggests that this variant is likely to be tolerated. In summary, the available evidence is currently insufficient to determine the role of this variant in disease. Therefore, it has been classified as a Variant of Uncertain Significance.

NM_001963.6(EGF):c.3014T>C (p.Val1005Ala)

Gene: EGF (epidermal growth factor; plus strand). Cytogenetic location: 4q25.
Variant type: single nucleotide variant.
Coding change: c.3014T>C on transcript NM_001963.6 (MANE Select); coding-DNA position 3014, T replaced by C.
Protein change: p.Val1005Ala; replaces valine 1005 with alanine.
Molecular consequence: missense variant.
Genome position (GRCh38, 1-based): chr4:109,999,687, T>C. VCF-style: chr4-109999687-T-C. GRCh37 (hg19) VCF-style: chr4-110920843-T-C.
Other names: c.2891T>C, p.Val964Ala (NM_001178130.3); c.2888T>C, p.Val963Ala (NM_001178131.3); c.2645T>C, p.Val882Ala (NM_001357021.2); short protein forms V963A, V964A, V1005A, V882A.
Identifiers: ClinVar variation 4748374 (VCV004748374.1).